The following is an entry in ClinVar:

NM_006939.4(SOS2):c.1475T>C (p.Phe492Ser)

Gene: SOS2 (SOS Ras/Rho guanine nucleotide exchange factor 2; minus strand). Cytogenetic location: 14q21.3.
Variant type: single nucleotide variant.
Coding change: c.1475T>C on transcript NM_006939.4 (MANE Select); coding-DNA position 1475, T replaced by C.
Protein change: p.Phe492Ser; replaces phenylalanine 492 with serine.
Molecular consequence: missense variant.
Genome position (GRCh38, 1-based): chr14:50,159,808, A>G on the plus strand (T>C on the coding strand, the complement: SOS2 is on the minus strand). VCF-style: chr14-50159808-A-G. GRCh37 (hg19) VCF-style: chr14-50626526-A-G.
Other names: c.1376T>C, p.Phe459Ser (NM_001411020.1); short protein forms F459S, F492S.
Identifiers: ClinVar variation 3603986 (VCV003603986.2).

ClinVar aggregate classification (germline): Uncertain significance (1 of 4 stars; one submission).

Conditions:
Noonan syndrome 9 (NS9). Identifiers: Orphanet 648, MedGen C4225282, MONDO:0014691, OMIM 616559.

Submission:

Labcorp Genetics (formerly Invitae), Labcorp
Classification: Uncertain significance for Noonan syndrome 9. Last evaluated: 2024-08-07. Review status: criteria provided, single submitter. Criteria: Invitae Variant Classification Sherloc (09022015). Collection method: clinical testing. Allele origin: germline.
Comment: This sequence change replaces phenylalanine, which is neutral and non-polar, with serine, which is neutral and polar, at codon 492 of the SOS2 protein (p.Phe492Ser). This variant is not present in population databases (gnomAD no frequency). This variant has not been reported in the literature in individuals affected with SOS2-related conditions. Advanced modeling of protein sequence and biophysical properties (such as structural, functional, and spatial information, amino acid conservation, physicochemical variation, residue mobility, and thermodynamic stability) performed at Invitae indicates that this missense variant is expected to disrupt SOS2 protein function with a positive predictive value of 95%. In summary, the available evidence is currently insufficient to determine the role of this variant in disease. Therefore, it has been classified as a Variant of Uncertain Significance.